The following is an entry in ClinVar:

NM_001098511.3(KIF2A):c.2013+81A>G

Gene: KIF2A (kinesin family member 2A; plus strand). Cytogenetic location: 5q12.1.
Variant type: single nucleotide variant.
Coding change: c.2013+81A>G on transcript NM_001098511.3 (MANE Select); 81 bases into the intron after coding-DNA position 2013, A replaced by G.
Molecular consequence: intron variant.
Genome position (GRCh38, 1-based): chr5:62,377,843, A>G. VCF-style: chr5-62377843-A-G. GRCh37 (hg19) VCF-style: chr5-61673670-A-G.
Other names: c.1818+81A>G (NM_001243952.2); c.1899+81A>G (NM_004520.5); c.1842+81A>G (NM_001243953.2).
Identifiers: ClinVar variation 682886 (VCV000682886.2), dbSNP rs464058, ClinGen allele CA12130406.

ClinVar aggregate classification (germline): Benign. Review status: criteria provided, multiple submitters, no conflicts (2 of 4 stars). 2 submissions from 2 submitters: Benign (2). Last evaluated 2018-06-14.

Allele frequency attached by ClinVar (database versions not stated): 1000 Genomes Project 30x 0.21580; 1000 Genomes Project 0.21905; gnomAD exomes 0.24983; TOPMed 0.24995; gnomAD 0.25000 and 0.25380.
gnomAD v4.1: 193,726 of 775,798 alleles (25%); highest among the groups gnomAD compares: Middle Eastern, 28%; 24,889 homozygotes.

Submissions (2):

GeneDx
Classification: Benign. Last evaluated: 2018-06-14. Review status: criteria provided, single submitter. Criteria: GeneDx Variant Classification (06012015). Collection method: clinical testing. Allele origin: germline. Affected: yes.
Comment: This variant is considered likely benign or benign based on one or more of the following criteria: it is a conservative change, it occurs at a poorly conserved position in the protein, it is predicted to be benign by multiple in silico algorithms, and/or has population frequency not consistent with disease.

Breakthrough Genomics
Classification: Benign. Review status: criteria provided, single submitter. Criteria: ACMG Guidelines, 2015. Collection method: not provided. Allele origin: germline. Inheritance: Autosomal dominant inheritance. Affected: yes.